The following is an entry in ClinVar:

ClinVar aggregate classification (germline): Likely benign. Review status: criteria provided, multiple submitters, no conflicts (2 of 4 stars). 3 submissions from 3 submitters: Likely benign (3). Last evaluated 2026-01-27.

Conditions:
Hereditary cancer-predisposing syndrome. Also called: Tumor predisposition; Hereditary Cancer Syndrome; Neoplastic Syndromes, Hereditary; Hereditary neoplastic syndrome. Identifiers: Orphanet 140162, MedGen C0027672, MeSH D009386, MONDO:0015356.
Microcephaly, normal intelligence and immunodeficiency (NBS). Also called: Nijmegen breakage syndrome; Microcephaly with normal intelligence immunodeficiency and lymphoreticular malignancies; Nonsyndromal microcephaly autosomal recessive with normal intelligence; Seemanova syndrome 2; IMMUNODEFICIENCY, MICROCEPHALY, AND CHROMOSOMAL INSTABILITY; Ataxia telangiectasia variant V1. Identifiers: Orphanet 647, MedGen C0398791, MONDO:0009623, OMIM 251260.

Submissions (3):

Labcorp Genetics (formerly Invitae), Labcorp
Classification: Likely benign for Microcephaly, normal intelligence and immunodeficiency. Last evaluated: 2026-01-27. Review status: criteria provided, single submitter. Criteria: Invitae Variant Classification Sherloc (09022015). Collection method: clinical testing. Allele origin: germline.

Institute for Biomarker Research, Medical Diagnostic Laboratories, L.L.C.
Classification: Likely benign for Hereditary cancer-predisposing syndrome. Last evaluated: 2025-04-30. Review status: criteria provided, single submitter. Criteria: ACMG Guidelines, 2015. Collection method: clinical testing. Allele origin: germline.
Comment: The synonymous variant NM_002485.5(NBN):c.144A>G (p.Leu48=) has been reported to ClinVar as Likely benign with a status of (2 stars) criteria provided, multiple submitters, no conflicts (Variation ID 754554 as of 2025-04-03). The p.Leu48= variant is novel (not in any individuals) in gnomAD. The p.Leu48= variant is novel (not in any individuals) in 1kG. The p.Leu48= variant is not predicted to disrupt an existing splice site. The p.Leu48= variant results in a substitution of a base that is not predicted conserved by GERP++ and PhyloP. For these reasons, this variant has been classified as Likely Benign.

Ambry Genetics
Classification: Likely benign for Hereditary cancer-predisposing syndrome. Last evaluated: 2024-08-31. Review status: criteria provided, single submitter. Criteria: Ambry Variant Classification Scheme 2023. Collection method: clinical testing. Allele origin: germline.

NM_002485.5(NBN):c.144A>G (p.Leu48=)

Gene: NBN (nibrin; minus strand). Cytogenetic location: 8q21.3.
Variant type: single nucleotide variant.
Coding change: c.144A>G on transcript NM_002485.5 (MANE Select); coding-DNA position 144, A replaced by G.
Protein change: p.Leu48=; no amino-acid change (leucine 48 retained).
Molecular consequence: synonymous variant. On other transcripts: 5 prime UTR variant (1).
Genome position (GRCh38, 1-based): chr8:89,982,749, T>C on the plus strand (A>G on the coding strand, the complement: NBN is on the minus strand). VCF-style: chr8-89982749-T-C. GRCh37 (hg19) VCF-style: chr8-90994977-T-C.
Other names: c.-153A>G (NM_001024688.3).
Identifiers: ClinVar variation 754554 (VCV000754554.10), dbSNP rs1563584056, ClinGen allele CA461831528.